The following is an entry in ClinVar:

NM_001039591.3(USP9X):c.1877G>A (p.Ser626Asn)

Gene: USP9X (ubiquitin specific peptidase 9 X-linked; plus strand). Cytogenetic location: Xp11.4.
Variant type: single nucleotide variant.
Coding change: c.1877G>A on transcript NM_001039591.3 (MANE Select); coding-DNA position 1877, G replaced by A.
Protein change: p.Ser626Asn; replaces serine 626 with asparagine.
Molecular consequence: missense variant.
Genome position (GRCh38, 1-based): chrX:41,153,061, G>A. VCF-style: chrX-41153061-G-A. GRCh37 (hg19) VCF-style: chrX-41012314-G-A.
Other names: c.1877G>A, p.Ser626Asn (NM_001039590.3); short protein forms S626N.
Identifiers: ClinVar variation 562221 (VCV000562221.8), dbSNP rs1569170734, ClinGen allele CA412776694.

ClinVar aggregate classification (germline): Uncertain significance. Review status: criteria provided, multiple submitters, no conflicts (2 of 4 stars). 2 submissions from 2 submitters: Uncertain significance (2). Last evaluated 2019-11-18.

Conditions:
Intellectual developmental disorder, X-linked 99. Also called: Intellectual disability, X-linked 99. Identifiers: Orphanet 777, MedGen C3806746, MONDO:0010487, OMIM 300919.

Submissions (2):

GeneDx
Classification: Uncertain significance. Last evaluated: 2019-11-18. Review status: criteria provided, single submitter. Criteria: GeneDx Variant Classification Process June 2021. Collection method: clinical testing. Allele origin: germline. Affected: yes.
Comment: Not observed in large population cohorts (Lek et al., 2016); In silico analysis, which includes protein predictors and evolutionary conservation, supports that this variant does not alter protein structure/function; Has not been previously published as pathogenic or benign to our knowledge

Mayo Clinic Laboratories, Mayo Clinic
Classification: Uncertain significance for Intellectual developmental disorder, X-linked 99. Last evaluated: 2018-07-03. Review status: criteria provided, single submitter. Criteria: ACMG Guidelines, 2015. Collection method: clinical testing. Allele origin: maternal.